The following is an entry in ClinVar:

ClinVar aggregate classification (germline): Uncertain significance (1 of 4 stars; one submission).

Submission:

Labcorp Genetics (formerly Invitae), Labcorp
Classification: Uncertain significance. Last evaluated: 2022-11-15. Review status: criteria provided, single submitter. Criteria: Invitae Variant Classification Sherloc (09022015). Collection method: clinical testing. Allele origin: germline.
Comment: This sequence change replaces glutamic acid, which is acidic and polar, with lysine, which is basic and polar, at codon 858 of the ARHGEF1 protein (p.Glu858Lys). This variant is not present in population databases (gnomAD no frequency). This variant has not been reported in the literature in individuals affected with ARHGEF1-related conditions. Algorithms developed to predict the effect of missense changes on protein structure and function are either unavailable or do not agree on the potential impact of this missense change (SIFT: "Tolerated"; PolyPhen-2: "Possibly Damaging"; Align-GVGD: "Class C0"). In summary, the available evidence is currently insufficient to determine the role of this variant in disease. Therefore, it has been classified as a Variant of Uncertain Significance.

NM_004706.4(ARHGEF1):c.2527G>A (p.Glu843Lys)

Gene: ARHGEF1 (Rho guanine nucleotide exchange factor 1; plus strand). Cytogenetic location: 19q13.2.
Variant type: single nucleotide variant.
Coding change: c.2527G>A on transcript NM_004706.4 (MANE Select); coding-DNA position 2527, G replaced by A.
Protein change: p.Glu843Lys; replaces glutamic acid 843 with lysine.
Molecular consequence: missense variant. On other transcripts: non-coding transcript variant (2), intron variant (4).
Genome position (GRCh38, 1-based): chr19:41,906,492, G>A. VCF-style: chr19-41906492-G-A. GRCh37 (hg19) VCF-style: chr19-42410644-G-A.
Other names: c.2695G>A, p.Glu899Lys (NM_001396000.1); c.2428G>A, p.Glu810Lys (NM_198977.2); c.2572G>A, p.Glu858Lys (NM_199002.2); c.2492-211G>A (NM_001396003.1, NM_001396006.1); c.2393-211G>A (NM_001396002.1, NM_001396004.1); short protein forms E810K, E858K, E899K, E843K.
Identifiers: ClinVar variation 2039142 (VCV002039142.4), dbSNP rs1599666973, ClinGen allele CA406069504.